The following is an entry in ClinVar:

NM_024675.4(PALB2):c.1535dup (p.Tyr512Ter)

Gene: PALB2 (partner and localizer of BRCA2; minus strand). Cytogenetic location: 16p12.2.
Variant type: Duplication.
Coding change: c.1535dup on transcript NM_024675.4 (MANE Select); coding-DNA position 1535, one base duplicated (A; older notation c.1535dupA).
Protein change: p.Tyr512Ter; replaces tyrosine 512 with a stop codon.
Molecular consequence: nonsense.
Genome position (GRCh38, 1-based): chr16:23,635,011, T duplicated on the plus strand (A on the coding strand, the reverse complement: PALB2 is on the minus strand). VCF-style (leftmost placement, unchanged base first): chr16-23635010-G-GT. GRCh37 (hg19) VCF-style: chr16-23646331-G-GT.
Other names: short protein forms Y512*.
Identifiers: ClinVar variation 870643 (VCV000870643.14), dbSNP rs1966959467, ClinGen allele CA1139664615.

ClinVar aggregate classification (germline): Pathogenic. Review status: criteria provided, multiple submitters, no conflicts (2 of 4 stars). 3 submissions from 3 submitters: Pathogenic (3). Last evaluated 2024-10-15.

Conditions:
Familial cancer of breast. Also called: BREAST CANCER, FAMILIAL; Hereditary breast cancer; hereditary breast carcinoma. Identifiers: Orphanet 227535, MedGen C0346153, MONDO:0016419, OMIM 114480. Disease mechanism: loss of function.
Breast-ovarian cancer, familial, susceptibility to, 1 (BROVCA1). Also called: BRCA1 Hereditary Breast and Ovarian Cancer; OVARIAN CANCER, SUSCEPTIBILITY TO. Identifiers: Orphanet 145, MedGen C2676676, MONDO:0011450, OMIM 604370. Disease mechanism: loss of function.

Submissions (3):

Labcorp Genetics (formerly Invitae), Labcorp
Classification: Pathogenic for Familial cancer of breast. Last evaluated: 2024-10-15. Review status: criteria provided, single submitter. Criteria: Invitae Variant Classification Sherloc (09022015). Collection method: clinical testing. Allele origin: germline.
Comment: This sequence change creates a premature translational stop signal (p.Tyr512*) in the PALB2 gene. It is expected to result in an absent or disrupted protein product. Loss-of-function variants in PALB2 are known to be pathogenic (PMID: 17200668, 17200671, 17200672, 24136930, 25099575). This variant is not present in population databases (gnomAD no frequency). This premature translational stop signal has been observed in individual(s) with breast cancer (PMID: 30287823). ClinVar contains an entry for this variant (Variation ID: 870643). For these reasons, this variant has been classified as Pathogenic.

Myriad Genetics, Inc.
Classification: Pathogenic for Familial cancer of breast. Last evaluated: 2023-09-08. Review status: criteria provided, single submitter. Criteria: Myriad Autosomal Dominant, Autosomal Recessive and X-Linked Classification Criteria (2023). Collection method: clinical testing. Allele origin: unknown.
Comment: This variant is considered pathogenic. This variant creates a termination codon and is predicted to result in premature protein truncation.

Liquid Biopsy and Cancer Interception Group, Pfizer-University of Granada-Junta de Andalucía Centre for Genomics and Oncological Research
Classification: Pathogenic for Breast-ovarian cancer, familial, susceptibility to, 1. Review status: criteria provided, single submitter. Criteria: ACMG Guidelines, 2015. Collection method: clinical testing. Allele origin: germline. Affected: yes. Observed: 1 variant allele.

Literature cited by the submitters: PubMed 17200668 (cited by Labcorp Genetics (formerly Invitae), Labcorp); PubMed 17200671 (cited by Labcorp Genetics (formerly Invitae), Labcorp); PubMed 17200672 (cited by Labcorp Genetics (formerly Invitae), Labcorp); PubMed 24136930 (cited by Labcorp Genetics (formerly Invitae), Labcorp); PubMed 25099575 (cited by Labcorp Genetics (formerly Invitae), Labcorp); PubMed 30287823 (cited by Labcorp Genetics (formerly Invitae), Labcorp).